The following is an entry in ClinVar:

ClinVar aggregate classification (germline): Conflicting classifications of pathogenicity. Review status: criteria provided, conflicting classifications (1 of 4 stars). 5 submissions from 5 submitters: Uncertain significance (4); Likely benign (1). Last evaluated 2025-05-27.

Conditions:
Hereditary breast ovarian cancer syndrome. Also called: Hereditary breast and ovarian cancer syndrome; Hereditary breast and ovarian cancer; Hereditary breast and ovarian cancer syndrome (HBOC); Hereditary breast and/or ovarian cancer syndrome; Breast and ovarian cancer; BRCA1- and BRCA2-Associated Hereditary Breast and Ovarian Cancer. Identifiers: Orphanet 145, MedGen C0677776, MeSH D061325, MONDO:0003582. Disease mechanism: loss of function.
Hereditary cancer-predisposing syndrome. Also called: Tumor predisposition; Hereditary Cancer Syndrome; Neoplastic Syndromes, Hereditary; Hereditary neoplastic syndrome. Identifiers: Orphanet 140162, MedGen C0027672, MeSH D009386, MONDO:0015356.

Submissions (5):

Labcorp Genetics (formerly Invitae), Labcorp
Classification: Uncertain significance for Hereditary breast ovarian cancer syndrome. Last evaluated: 2025-05-27. Review status: criteria provided, single submitter. Criteria: Invitae Variant Classification Sherloc (09022015). Collection method: clinical testing. Allele origin: germline.
Comment: This sequence change replaces proline, which is neutral and non-polar, with serine, which is neutral and polar, at codon 1774 of the BRCA2 protein (p.Pro1774Ser). This variant is not present in population databases (gnomAD no frequency). This variant has not been reported in the literature in individuals affected with BRCA2-related conditions. ClinVar contains an entry for this variant (Variation ID: 1332163). Invitae Evidence Modeling of protein sequence and biophysical properties (such as structural, functional, and spatial information, amino acid conservation, physicochemical variation, residue mobility, and thermodynamic stability) indicates that this missense variant is not expected to disrupt BRCA2 protein function with a negative predictive value of 95%. In summary, the available evidence is currently insufficient to determine the role of this variant in disease. Therefore, it has been classified as a Variant of Uncertain Significance.

Quest Diagnostics Nichols Institute San Juan Capistrano
Classification: Uncertain significance. Last evaluated: 2025-05-16. Review status: criteria provided, single submitter. Criteria: Quest Diagnostics criteria. Collection method: clinical testing. Allele origin: unknown.
Comment: The BRCA2 c.5320C>T (p.Pro1774Ser) variant has been reported to be located in a region of the BRCA2 gene that is tolerant to missense sequence changes (PMID: 31911673 (2020)). To the best of our knowledge, this variant has not been reported in individuals with BRCA2-related disorders. This variant has not been reported in large, multi-ethnic general populations (Genome Aggregation Database). Analysis of this variant using bioinformatics tools for the prediction of the effect of amino acid changes on protein structure and function yielded predictions that this variant is benign. Based on the available information, we are unable to determine the clinical significance of this variant.

Ambry Genetics
Classification: Uncertain significance for Hereditary cancer-predisposing syndrome. Last evaluated: 2024-03-18. Review status: criteria provided, single submitter. Criteria: Ambry Variant Classification Scheme 2023. Collection method: clinical testing. Allele origin: germline.
Comment: The p.P1774S variant (also known as c.5320C>T), located in coding exon 10 of the BRCA2 gene, results from a C to T substitution at nucleotide position 5320. The proline at codon 1774 is replaced by serine, an amino acid with similar properties. This amino acid position is conserved. In addition, this alteration is predicted to be tolerated by in silico analysis. Based on the available evidence, the clinical significance of this alteration remains unclear.

Color Diagnostics, LLC DBA Color Health
Classification: Uncertain significance for Hereditary cancer-predisposing syndrome. Last evaluated: 2024-03-06. Review status: criteria provided, single submitter. Criteria: ACMG Guidelines, 2015. Collection method: clinical testing. Allele origin: germline.
Comment: This missense variant replaces proline with serine at codon 1774 of the BRCA2 protein. Computational prediction suggests that this variant may not impact protein structure and function (internally defined REVEL score threshold <= 0.5, PMID: 27666373). To our knowledge, functional studies have not been reported for this variant. This variant has not been reported in individuals affected with hereditary cancer in the literature. This variant has not been identified in the general population by the Genome Aggregation Database (gnomAD). The available evidence is insufficient to determine the role of this variant in disease conclusively. Therefore, this variant is classified as a Variant of Uncertain Significance.

University of Washington Department of Laboratory Medicine, University of Washington
Classification: Likely benign for Hereditary cancer-predisposing syndrome. Last evaluated: 2023-03-23. Review status: criteria provided, single submitter. Criteria: Dines et al. (Genet Med. 2020). Collection method: curation. Allele origin: germline.
Comment: Missense variant in a coldspot region where missense variants are very unlikely to be pathogenic (PMID:31911673).

BRCA2 exon 11 coldspot. Reclassification based on statistical prior probability.

Literature cited by the submitters: PubMed 31911673 (cited by Quest Diagnostics Nichols Institute San Juan Capistrano).

NM_000059.4(BRCA2):c.5320C>T (p.Pro1774Ser)

Gene: BRCA2 (BRCA2 DNA repair associated; plus strand). Cytogenetic location: 13q13.1.
Variant type: single nucleotide variant.
Coding change: c.5320C>T on transcript NM_000059.4 (MANE Select); coding-DNA position 5320, C replaced by T.
Protein change: p.Pro1774Ser; replaces proline 1774 with serine.
Molecular consequence: missense variant.
Genome position (GRCh38, 1-based): chr13:32,339,675, C>T. VCF-style: chr13-32339675-C-T. GRCh37 (hg19) VCF-style: chr13-32913812-C-T.
Other names: short protein forms P1774S.
Identifiers: ClinVar variation 1332163 (VCV001332163.10), dbSNP rs2137516298, ClinGen allele CA387784897.